The following is an entry in ClinVar:

NM_018051.5(DYNC2I1):c.2976C>T (p.Val992=)

Gene: DYNC2I1 (dynein 2 intermediate chain 1; plus strand). Cytogenetic location: 7q36.3.
Variant type: single nucleotide variant.
Coding change: c.2976C>T on transcript NM_018051.5 (MANE Select); coding-DNA position 2976, C replaced by T.
Protein change: p.Val992=; no amino-acid change (valine 992 retained).
Molecular consequence: synonymous variant.
Genome position (GRCh38, 1-based): chr7:158,942,122, C>T. VCF-style: chr7-158942122-C-T. GRCh37 (hg19) VCF-style: chr7-158734813-C-T.
Other names: c.2838C>T, p.Val946= (NM_001350914.2); c.2403C>T, p.Val801= (NM_001350915.2); c.1515C>T, p.Val505= (NM_001350916.2); c.1728C>T, p.Val576= (NM_001350917.2, NM_001350918.2).
Identifiers: ClinVar variation 516225 (VCV000516225.13), dbSNP rs34634437, ClinGen allele CA4595154.

ClinVar aggregate classification (germline): Benign. Review status: criteria provided, multiple submitters, no conflicts (2 of 4 stars). 5 submissions from 5 submitters: Benign (5). Last evaluated 2026-02-04.

Conditions:
Short-rib thoracic dysplasia 8 with or without polydactyly (SRTD8). Also called: SHORT-RIB THORACIC DYSPLASIA 8 WITH POLYDACTYLY. Identifiers: Orphanet 93271, MedGen C3809691, MONDO:0014214, OMIM 615503.

Allele frequency attached by ClinVar (database versions not stated): gnomAD 0.16102 and 0.16768; ESP Exome Variant Server 0.16724; 1000 Genomes Project 0.11282; 1000 Genomes Project 30x 0.11883; TOPMed 0.15259.
gnomAD v4.1: 257,657 of 1,564,402 alleles (16%); highest among the groups gnomAD compares: Non-Finnish European, 18%; 23,084 homozygotes.

Submissions (5):

Labcorp Genetics (formerly Invitae), Labcorp
Classification: Benign for Short-rib thoracic dysplasia 8 with or without polydactyly. Last evaluated: 2026-02-04. Review status: criteria provided, single submitter. Criteria: Invitae Variant Classification Sherloc (09022015). Collection method: clinical testing. Allele origin: germline.

Blueprint Genetics
Classification: Benign. Last evaluated: 2024-11-27. Review status: criteria provided, single submitter. Criteria: ACMG Guidelines, 2015. Collection method: clinical testing. Allele origin: germline.

Genome-Nilou Lab
Classification: Benign for Short-rib thoracic dysplasia 8 with or without polydactyly. Last evaluated: 2021-12-05. Review status: criteria provided, single submitter. Criteria: ACMG Guidelines, 2015. Collection method: clinical testing. Allele origin: germline. Affected: no.

GeneDx
Classification: Benign. Last evaluated: 2017-09-13. Review status: criteria provided, single submitter. Criteria: GeneDx Variant Classification (06012015). Collection method: clinical testing. Allele origin: germline. Affected: yes.
Comment: This variant is considered likely benign or benign based on one or more of the following criteria: it is a conservative change, it occurs at a poorly conserved position in the protein, it is predicted to be benign by multiple in silico algorithms, and/or has population frequency not consistent with disease.

Breakthrough Genomics
Classification: Benign. Review status: criteria provided, single submitter. Criteria: ACMG Guidelines, 2015. Collection method: not provided. Allele origin: germline. Inheritance: Autosomal recessive inheritance. Affected: yes.